The following is an entry in ClinVar:

NM_032888.4(COL27A1):c.2071-2A>G

Gene: COL27A1 (collagen type XXVII alpha 1 chain; plus strand). Cytogenetic location: 9q32.
Variant type: single nucleotide variant.
Coding change: c.2071-2A>G on transcript NM_032888.4 (MANE Select); the canonical splice acceptor site of the intron before coding-DNA position 2071, A replaced by G.
Molecular consequence: splice acceptor variant.
Genome position (GRCh38, 1-based): chr9:114,195,957, A>G. VCF-style: chr9-114195957-A-G. GRCh37 (hg19) VCF-style: chr9-116958237-A-G.
Identifiers: ClinVar variation 939040 (VCV000939040.8), dbSNP rs1829092348, ClinGen allele CA374599202.

ClinVar aggregate classification (germline): Likely pathogenic (1 of 4 stars; one submission).

Submission:

Labcorp Genetics (formerly Invitae), Labcorp
Classification: Likely pathogenic. Last evaluated: 2019-07-01. Review status: criteria provided, single submitter. Criteria: Invitae Variant Classification Sherloc (09022015). Collection method: clinical testing. Allele origin: germline.
Comment: Algorithms developed to predict the effect of sequence changes on RNA splicing suggest that this variant may disrupt the consensus splice site, but this prediction has not been confirmed by published transcriptional studies. This sequence change affects an acceptor splice site in intron 6 of the COL27A1 gene. It is expected to disrupt RNA splicing and likely results in an absent or disrupted protein product. This variant is not present in population databases (ExAC no frequency). This variant has not been reported in the literature in individuals with COL27A1-related conditions. Donor and acceptor splice site variants typically lead to a loss of protein function (PMID: 16199547), and loss-of-function variants in COL27A1 are known to be pathogenic (PMID: 24986830, 28276056). In summary, the currently available evidence indicates that the variant is pathogenic, but additional data are needed to prove that conclusively. Therefore, this variant has been classified as Likely Pathogenic.

Literature cited by the submitters: PubMed 16199547; PubMed 24986830; PubMed 28276056.